The following is an entry in ClinVar:

NM_002755.4(MAP2K1):c.205G>A (p.Glu69Lys)

Gene: MAP2K1 (mitogen-activated protein kinase kinase 1; plus strand). Cytogenetic location: 15q22.31.
Variant type: single nucleotide variant.
Coding change: c.205G>A on transcript NM_002755.4 (MANE Select); coding-DNA position 205, G replaced by A.
Protein change: p.Glu69Lys; replaces glutamic acid 69 with lysine.
Molecular consequence: missense variant.
Genome position (GRCh38, 1-based): chr15:66,435,151, G>A. VCF-style: chr15-66435151-G-A. GRCh37 (hg19) VCF-style: chr15-66727489-G-A.
Other names: short protein forms E69K.
Identifiers: ClinVar variation 857990 (VCV000857990.9), dbSNP rs2093484413, ClinGen allele CA392929332.

ClinVar aggregate classification (germline): Uncertain significance (1 of 4 stars; one submission).

Conditions:
RASopathy. Also called: Noonan spectrum disorder; rasopathies. Identifiers: Orphanet 536391, MedGen C5555857, MONDO:0021060.

Submission:

Labcorp Genetics (formerly Invitae), Labcorp
Classification: Uncertain significance for RASopathy. Last evaluated: 2025-05-05. Review status: criteria provided, single submitter. Criteria: Invitae Variant Classification Sherloc (09022015). Collection method: clinical testing. Allele origin: germline.
Comment: This sequence change replaces glutamic acid, which is acidic and polar, with lysine, which is basic and polar, at codon 69 of the MAP2K1 protein (p.Glu69Lys). This variant is not present in population databases (gnomAD no frequency). This variant has not been reported in the literature in individuals affected with MAP2K1-related conditions. ClinVar contains an entry for this variant (Variation ID: 857990). Invitae Evidence Modeling of protein sequence and biophysical properties (such as structural, functional, and spatial information, amino acid conservation, physicochemical variation, residue mobility, and thermodynamic stability) has been performed for this missense variant. However, the output from this modeling did not meet the statistical confidence thresholds required to predict the impact of this variant on MAP2K1 protein function. In summary, the available evidence is currently insufficient to determine the role of this variant in disease. Therefore, it has been classified as a Variant of Uncertain Significance.